The following is an entry in ClinVar:

NM_001189.4(NKX3-2):c.292A>T (p.Ser98Cys)

Gene: NKX3-2 (NK3 homeobox 2; minus strand). Cytogenetic location: 4p15.33.
Variant type: single nucleotide variant.
Coding change: c.292A>T on transcript NM_001189.4 (MANE Select); coding-DNA position 292, A replaced by T.
Protein change: p.Ser98Cys; replaces serine 98 with cysteine.
Molecular consequence: missense variant.
Genome position (GRCh38, 1-based): chr4:13,544,123, T>A on the plus strand (A>T on the coding strand, the complement: NKX3-2 is on the minus strand). VCF-style: chr4-13544123-T-A. GRCh37 (hg19) VCF-style: chr4-13545747-T-A.
Other names: short protein forms S98C.
Identifiers: ClinVar variation 1416242 (VCV001416242.5), dbSNP rs759515252, ClinGen allele CA2860437.

ClinVar aggregate classification (germline): Uncertain significance (1 of 4 stars; one submission).

Allele frequency attached by ClinVar (database versions not stated): ExAC 0.00001; gnomAD 0.00002 and 0.00003; gnomAD exomes 0.00002 and 0.00012; TOPMed 0.00002.
gnomAD v4.1: 165 of 1,603,326 alleles (0.01%); highest among the groups gnomAD compares: Non-Finnish European, 0.014%; no homozygotes.

Submission:

Labcorp Genetics (formerly Invitae), Labcorp
Classification: Uncertain significance. Last evaluated: 2024-02-26. Review status: criteria provided, single submitter. Criteria: Invitae Variant Classification Sherloc (09022015). Collection method: clinical testing. Allele origin: germline.
Comment: This sequence change replaces serine, which is neutral and polar, with cysteine, which is neutral and slightly polar, at codon 98 of the NKX3-2 protein (p.Ser98Cys). This variant is present in population databases (rs759515252, gnomAD 0.006%). This variant has not been reported in the literature in individuals affected with NKX3-2-related conditions. ClinVar contains an entry for this variant (Variation ID: 1416242). Advanced modeling of protein sequence and biophysical properties (such as structural, functional, and spatial information, amino acid conservation, physicochemical variation, residue mobility, and thermodynamic stability) performed at Invitae indicates that this missense variant is not expected to disrupt NKX3-2 protein function with a negative predictive value of 80%. In summary, the available evidence is currently insufficient to determine the role of this variant in disease. Therefore, it has been classified as a Variant of Uncertain Significance.